The following is an entry in ClinVar:

NM_021930.6(RINT1):c.366G>C (p.Glu122Asp)

Gene: RINT1 (RAD50 interactor 1; plus strand). Cytogenetic location: 7q22.3.
Variant type: single nucleotide variant.
Coding change: c.366G>C on transcript NM_021930.6 (MANE Select); coding-DNA position 366, G replaced by C.
Protein change: p.Glu122Asp; replaces glutamic acid 122 with aspartic acid.
Molecular consequence: missense variant. On other transcripts: 5 prime UTR variant (3), non-coding transcript variant (1).
Genome position (GRCh38, 1-based): chr7:105,542,500, G>C. VCF-style: chr7-105542500-G-C. GRCh37 (hg19) VCF-style: chr7-105182947-G-C.
Other names: c.132G>C, p.Glu44Asp (NM_001346599.2); c.-654G>C (NM_001346600.2); c.-557G>C (NM_001346601.2); c.-177G>C (NM_001346603.2); short protein forms E44D, E122D.
Identifiers: ClinVar variation 3314438 (VCV003314438.1).

ClinVar aggregate classification (germline): Uncertain significance (1 of 4 stars; one submission).

Submission:

Ambry Genetics
Classification: Uncertain significance. Last evaluated: 2024-03-24. Review status: criteria provided, single submitter. Criteria: Ambry Variant Classification Scheme 2023. Collection method: clinical testing. Allele origin: germline.
Comment: The p.E122D variant (also known as c.366G>C), located in coding exon 4 of the RINT1 gene, results from a G to C substitution at nucleotide position 366. The glutamic acid at codon 122 is replaced by aspartic acid, an amino acid with highly similar properties. This amino acid position is conserved. In addition, this alteration is predicted to be tolerated by in silico analysis. Based on the available evidence, the clinical significance of this alteration remains unclear.